The following is an entry in ClinVar:

ClinVar aggregate classification (germline): Uncertain significance (1 of 4 stars; one submission).

Submission:

Labcorp Genetics (formerly Invitae), Labcorp
Classification: Uncertain significance. Last evaluated: 2025-01-30. Review status: criteria provided, single submitter. Criteria: Invitae Variant Classification Sherloc (09022015). Collection method: clinical testing. Allele origin: germline.
Comment: This sequence change replaces leucine, which is neutral and non-polar, with valine, which is neutral and non-polar, at codon 1109 of the AMER1 protein (p.Leu1109Val). This variant is not present in population databases (gnomAD no frequency). This variant has not been reported in the literature in individuals affected with AMER1-related conditions. An algorithm developed to predict the effect of missense changes on protein structure and function (PolyPhen-2) suggests that this variant is likely to be disruptive. In summary, the available evidence is currently insufficient to determine the role of this variant in disease. Therefore, it has been classified as a Variant of Uncertain Significance.

NM_152424.4(AMER1):c.3325C>G (p.Leu1109Val)

Gene: AMER1 (APC membrane recruitment protein 1; minus strand). Cytogenetic location: Xq11.2.
Variant type: single nucleotide variant.
Coding change: c.3325C>G on transcript NM_152424.4 (MANE Select); coding-DNA position 3325, C replaced by G.
Protein change: p.Leu1109Val; replaces leucine 1109 with valine.
Molecular consequence: missense variant.
Genome position (GRCh38, 1-based): chrX:64,189,962, G>C on the plus strand (C>G on the coding strand, the complement: AMER1 is on the minus strand). VCF-style: chrX-64189962-G-C. GRCh37 (hg19) VCF-style: chrX-63409842-G-C.
Other names: short protein forms L1109V.
Identifiers: ClinVar variation 3729204 (VCV003729204.2).
Genomic context (GRCh38, chrX:64,189,962, plus strand): 5'-TGGCAGTGGAGGAGTAGCTGGTGGCAAGAGAGGCACCTTGCTCAGCCCTCTCCTTTGACA[G>C]GTCAAGGCTGGAAGGCCCATAGTGAGTGGGCTGAGGCTGGGGGTGCTCAGGCCGGACCCT-3'
Protein context (NP_689637.3, residues 1099-1119): PTHYGPSSLD[Leu1109Val]SKERAEQGAS